The following is an entry in ClinVar:

NM_133642.5(LARGE1):c.1279A>G (p.Ser427Gly)

Gene: LARGE1 (LARGE xylosyl- and glucuronyltransferase 1; minus strand). Cytogenetic location: 22q12.3.
Variant type: single nucleotide variant.
Coding change: c.1279A>G on transcript NM_133642.5 (MANE Select); coding-DNA position 1279, A replaced by G.
Protein change: p.Ser427Gly; replaces serine 427 with glycine.
Molecular consequence: missense variant. On other transcripts: intron variant (2).
Genome position (GRCh38, 1-based): chr22:33,337,654, T>C on the plus strand (A>G on the coding strand, the complement: LARGE1 is on the minus strand). VCF-style: chr22-33337654-T-C. GRCh37 (hg19) VCF-style: chr22-33733640-T-C.
Other names: c.1279A>G, p.Ser427Gly (NM_001362949.2, NM_001362951.2, NM_001362953.2 and 6 more transcripts); c.676A>G, p.Ser226Gly (NM_001378630.1); c.1132-21406A>G (NM_001378629.1); c.529-21406A>G (NM_001378631.1); short protein forms S427G, S226G.
Identifiers: ClinVar variation 1487861 (VCV001487861.6), dbSNP rs1938625368, ClinGen allele CA411543585.
Genomic context (GRCh38, chr22:33,337,654, plus strand): 5'-TGGATGAGCAGAGAAGCCGCCCCTTCCCTGCCCAGCCTTGCGAGCCACTTACGTTTTCAC[T>C]GTTGACATCAGCCTCACTGGGGCAGCCAAACAGTTCCCGCCTCAGAAGATTGCCGTCATA-3'
Protein context (NP_598397.1, residues 417-437): FGCPSEADVN[Ser427Gly]ENLQKQLSEL

ClinVar aggregate classification (germline): Uncertain significance (1 of 4 stars; one submission).

Conditions:
Muscular dystrophy-dystroglycanopathy type B6 (MDDGB6). Also called: MUSCULAR DYSTROPHY-DYSTROGLYCANOPATHY (CONGENITAL WITH IMPAIRED INTELLECTUAL DEVELOPMENT), TYPE B, 6; MUSCULAR DYSTROPHY, CONGENITAL, LARGE-RELATED; MUSCULAR DYSTROPHY, CONGENITAL, TYPE 1D. Identifiers: MedGen C1837229, MONDO:0012138, OMIM 608840.

Submission:

Labcorp Genetics (formerly Invitae), Labcorp
Classification: Uncertain significance for Muscular dystrophy-dystroglycanopathy type B6. Last evaluated: 2021-09-01. Review status: criteria provided, single submitter. Criteria: Invitae Variant Classification Sherloc (09022015). Collection method: clinical testing. Allele origin: germline.
Comment: In summary, the available evidence is currently insufficient to determine the role of this variant in disease. Therefore, it has been classified as a Variant of Uncertain Significance. Algorithms developed to predict the effect of missense changes on protein structure and function (SIFT, PolyPhen-2, Align-GVGD) all suggest that this variant is likely to be tolerated. This variant has not been reported in the literature in individuals affected with LARGE1-related conditions. This variant is not present in population databases (ExAC no frequency). This sequence change replaces serine with glycine at codon 427 of the LARGE1 protein (p.Ser427Gly). The serine residue is moderately conserved and there is a small physicochemical difference between serine and glycine.